The following is an entry in ClinVar:

NM_000918.4(P4HB):c.536T>C (p.Ile179Thr)

Gene: P4HB (prolyl 4-hydroxylase subunit beta; minus strand). Cytogenetic location: 17q25.3.
Variant type: single nucleotide variant.
Coding change: c.536T>C on transcript NM_000918.4 (MANE Select); coding-DNA position 536, T replaced by C.
Protein change: p.Ile179Thr; replaces isoleucine 179 with threonine.
Molecular consequence: missense variant.
Genome position (GRCh38, 1-based): chr17:81,855,230, A>G on the plus strand (T>C on the coding strand, the complement: P4HB is on the minus strand). VCF-style: chr17-81855230-A-G. GRCh37 (hg19) VCF-style: chr17-79813106-A-G.
Other names: short protein forms I179T.
Identifiers: ClinVar variation 2844224 (VCV002844224.3), dbSNP rs2038894472, ClinGen allele CA401515145.
Genomic context (GRCh38, chr17:81,855,230, plus strand): 5'-TCGAGCTGGTATTTGGAGAACACGTCACTGTTGGAAGTGATCCCAAATGGTATGTCATCG[A>G]TGGCCTCTGCTGCCTGCAAAAACTGCTTGGCAGAGTCCGACTCCACGTCCTGAATGAGGA-3'
Protein context (NP_000909.2, residues 169-189): AKQFLQAAEA[Ile179Thr]DDIPFGITSN

ClinVar aggregate classification (germline): Uncertain significance (1 of 4 stars; one submission).

Allele frequency attached by ClinVar (database versions not stated): gnomAD exomes 0.00001.
gnomAD v4.1: 3 of 1,613,982 alleles (0.00019%); highest among the groups gnomAD compares: East Asian, 0.0067%; no homozygotes.

Submission:

Labcorp Genetics (formerly Invitae), Labcorp
Classification: Uncertain significance. Last evaluated: 2023-03-08. Review status: criteria provided, single submitter. Criteria: Invitae Variant Classification Sherloc (09022015). Collection method: clinical testing. Allele origin: germline.
Comment: This sequence change replaces isoleucine, which is neutral and non-polar, with threonine, which is neutral and polar, at codon 179 of the P4HB protein (p.Ile179Thr). This variant is not present in population databases (gnomAD no frequency). This variant has not been reported in the literature in individuals affected with P4HB-related conditions. Advanced modeling of protein sequence and biophysical properties (such as structural, functional, and spatial information, amino acid conservation, physicochemical variation, residue mobility, and thermodynamic stability) performed at Invitae indicates that this missense variant is not expected to disrupt P4HB protein function. In summary, the available evidence is currently insufficient to determine the role of this variant in disease. Therefore, it has been classified as a Variant of Uncertain Significance.